The following is an entry in ClinVar:

ClinVar aggregate classification (germline): Uncertain significance. Review status: criteria provided, multiple submitters, no conflicts (2 of 4 stars). 2 submissions from 2 submitters: Uncertain significance (2). Last evaluated 2025-09-08.

gnomAD v4.1: 7 of 1,245,736 alleles (0.00056%); highest among the groups gnomAD compares: Admixed American, 0.0042%; no homozygotes.

Submissions (2):

Labcorp Genetics (formerly Invitae), Labcorp
Classification: Uncertain significance. Last evaluated: 2025-09-08. Review status: criteria provided, single submitter. Criteria: Invitae Variant Classification Sherloc (09022015). Collection method: clinical testing. Allele origin: germline.
Comment: This sequence change replaces proline, which is neutral and non-polar, with leucine, which is neutral and non-polar, at codon 83 of the GATA5 protein (p.Pro83Leu). This variant is not present in population databases (gnomAD no frequency). This variant has not been reported in the literature in individuals affected with GATA5-related conditions. ClinVar contains an entry for this variant (Variation ID: 1382051). Invitae Evidence Modeling of protein sequence and biophysical properties (such as structural, functional, and spatial information, amino acid conservation, physicochemical variation, residue mobility, and thermodynamic stability) indicates that this missense variant is expected to disrupt GATA5 protein function with a positive predictive value of 80%. In summary, the available evidence is currently insufficient to determine the role of this variant in disease. Therefore, it has been classified as a Variant of Uncertain Significance.

Ambry Genetics
Classification: Uncertain significance. Last evaluated: 2024-12-22. Review status: criteria provided, single submitter. Criteria: Ambry Variant Classification Scheme 2023. Collection method: clinical testing. Allele origin: germline.

NM_080473.5(GATA5):c.248C>T (p.Pro83Leu)

Gene: GATA5 (GATA binding protein 5; minus strand). Cytogenetic location: 20q13.33.
Variant type: single nucleotide variant.
Coding change: c.248C>T on transcript NM_080473.5 (MANE Select); coding-DNA position 248, C replaced by T.
Protein change: p.Pro83Leu; replaces proline 83 with leucine.
Molecular consequence: missense variant.
Genome position (GRCh38, 1-based): chr20:62,475,274, G>A on the plus strand (C>T on the coding strand, the complement: GATA5 is on the minus strand). VCF-style: chr20-62475274-G-A. GRCh37 (hg19) VCF-style: chr20-61050330-G-A.
Other names: c.248C>T (NM_080473.4); short protein forms P83L.
Identifiers: ClinVar variation 1382051 (VCV001382051.7), dbSNP rs994848200, ClinGen allele CA317288601.
Genomic context (GRCh38, chr20:62,475,274, plus strand): 5'-CCGGGCCCCGAGGGGCTGTGCGCGAAAGGGAAGGCGGTGGCCCCGGGCGGGTGCGCGGCT[G>A]GGGGGTGCGGACTGCCCGGGCCGAAGGCCGACGAATCCGCGGTGGCTGTCTGCGCCCAGC-3'
Protein context (NP_536721.1, residues 73-93): SAFGPGSPHP[Pro83Leu]AAHPPGATAF